The following is an entry in ClinVar:

ClinVar aggregate classification (germline): Uncertain significance. Review status: criteria provided, multiple submitters, no conflicts (2 of 4 stars). 3 submissions from 3 submitters: Uncertain significance (2). 1 of the submissions does not count toward it. Last evaluated 2025-05-05.

Conditions:
Inborn genetic diseases. Identifiers: MedGen C0950123, MeSH D030342.
GNPTG-mucolipidosis. Also called: MUCOLIPIDOSIS III, COMPLEMENTATION GROUP C; MUCOLIPIDOSIS III, IRANIAN VARIANT FORM; MUCOLIPIDOSIS III, VARIANT FORM; ML III GAMMA; ML IIIC; Mucolipidosis type III gamma. Identifiers: Orphanet 423470, Orphanet 577, MedGen C1854896, MONDO:0009652, OMIM 252605.

Allele frequency attached by ClinVar (database versions not stated): gnomAD exomes 0.00001.
gnomAD v4.1: 3 of 1,614,114 alleles (0.00019%); highest among the groups gnomAD compares: Non-Finnish European, 0.00025%; 1 homozygote.

Submissions (3):

Ambry Genetics
Classification: Uncertain significance for Inborn genetic diseases. Last evaluated: 2025-05-05. Review status: criteria provided, single submitter. Criteria: Ambry Variant Classification Scheme 2023. Collection method: clinical testing. Allele origin: germline.

Labcorp Genetics (formerly Invitae), Labcorp
Classification: Uncertain significance. Last evaluated: 2024-10-14. Review status: criteria provided, single submitter. Criteria: Invitae Variant Classification Sherloc (09022015). Collection method: clinical testing. Allele origin: germline.
Comment: This sequence change replaces proline, which is neutral and non-polar, with histidine, which is basic and polar, at codon 269 of the GNPTG protein (p.Pro269His). This variant is not present in population databases (gnomAD no frequency). This variant has not been reported in the literature in individuals affected with GNPTG-related conditions. ClinVar contains an entry for this variant (Variation ID: 645813). Invitae Evidence Modeling of protein sequence and biophysical properties (such as structural, functional, and spatial information, amino acid conservation, physicochemical variation, residue mobility, and thermodynamic stability) indicates that this missense variant is not expected to disrupt GNPTG protein function with a negative predictive value of 80%. In summary, the available evidence is currently insufficient to determine the role of this variant in disease. Therefore, it has been classified as a Variant of Uncertain Significance.

Natera, Inc.
Classification: Uncertain significance for Mucolipidosis III gamma. Last evaluated: 2020-09-23. Review status: no assertion criteria provided. Collection method: clinical testing. Allele origin: germline. Not counted in ClinVar's aggregate classification.

NM_032520.5(GNPTG):c.806C>A (p.Pro269His)

Gene: GNPTG (N-acetylglucosamine-1-phosphate transferase subunit gamma; plus strand). Cytogenetic location: 16p13.3.
Variant type: single nucleotide variant.
Coding change: c.806C>A on transcript NM_032520.5 (MANE Select); coding-DNA position 806, C replaced by A.
Protein change: p.Pro269His; replaces proline 269 with histidine.
Molecular consequence: missense variant.
Genome position (GRCh38, 1-based): chr16:1,362,889, C>A. VCF-style: chr16-1362889-C-A. GRCh37 (hg19) VCF-style: chr16-1412890-C-A.
Other names: short protein forms P269H.
Identifiers: ClinVar variation 645813 (VCV000645813.11), dbSNP rs1596616485, ClinGen allele CA394188791.